The following is an entry in ClinVar:

ClinVar aggregate classification (germline): Uncertain significance (1 of 4 stars; one submission).

Conditions:
Brachyolmia-amelogenesis imperfecta syndrome. Also called: PLATYSPONDYLY WITH AMELOGENESIS IMPERFECTA; Tooth agenesis, selective, 6; Dental anomalies and short stature. Identifiers: Orphanet 2899, MedGen C1832594, MONDO:0011018, OMIM 601216. Disease mechanism: loss of function.

Allele frequency attached by ClinVar (database versions not stated): gnomAD exomes below 0.00001; ExAC 0.00001.
gnomAD v4.1: 1 of 1,613,726 alleles (0.000062%); highest among the groups gnomAD compares: Non-Finnish European, 0.000085%; no homozygotes.

Submission:

Labcorp Genetics (formerly Invitae), Labcorp
Classification: Uncertain significance for Brachyolmia-amelogenesis imperfecta syndrome. Last evaluated: 2024-02-24. Review status: criteria provided, single submitter. Criteria: Invitae Variant Classification Sherloc (09022015). Collection method: clinical testing. Allele origin: germline.
Comment: This sequence change replaces cysteine, which is neutral and slightly polar, with tyrosine, which is neutral and polar, at codon 942 of the LTBP3 protein (p.Cys942Tyr). This variant is present in population databases (rs780427114, gnomAD 0.0009%). This variant has not been reported in the literature in individuals affected with LTBP3-related conditions. ClinVar contains an entry for this variant (Variation ID: 1386400). An algorithm developed to predict the effect of missense changes on protein structure and function (PolyPhen-2) suggests that this variant is likely to be disruptive. In summary, the available evidence is currently insufficient to determine the role of this variant in disease. Therefore, it has been classified as a Variant of Uncertain Significance.

NM_001130144.3(LTBP3):c.2825G>A (p.Cys942Tyr)

Gene: LTBP3 (latent transforming growth factor beta binding protein 3; minus strand). Cytogenetic location: 11q13.1.
Variant type: single nucleotide variant.
Coding change: c.2825G>A on transcript NM_001130144.3 (MANE Select); coding-DNA position 2825, G replaced by A.
Protein change: p.Cys942Tyr; replaces cysteine 942 with tyrosine.
Molecular consequence: missense variant.
Genome position (GRCh38, 1-based): chr11:65,541,194, C>T on the plus strand (G>A on the coding strand, the complement: LTBP3 is on the minus strand). VCF-style: chr11-65541194-C-T. GRCh37 (hg19) VCF-style: chr11-65308665-C-T.
Other names: c.2474G>A, p.Cys825Tyr (NM_001164266.1); c.2825G>A, p.Cys942Tyr (NM_021070.4); short protein forms C942Y, C825Y.
Identifiers: ClinVar variation 1386400 (VCV001386400.6), dbSNP rs780427114, ClinGen allele CA6100473.